The following is an entry in ClinVar:

ClinVar aggregate classification (germline): Uncertain significance (1 of 4 stars; one submission).

Conditions:
Cardiovascular phenotype. Identifiers: MedGen CN230736.

Submission:

Ambry Genetics
Classification: Uncertain significance for Cardiovascular phenotype. Last evaluated: 2025-02-20. Review status: criteria provided, single submitter. Criteria: Ambry Variant Classification Scheme 2023. Collection method: clinical testing. Allele origin: germline.
Comment: The p.I354M variant (also known as c.1062A>G), located in coding exon 11 of the CACNB2 gene, results from an A to G substitution at nucleotide position 1062. The isoleucine at codon 354 is replaced by methionine, an amino acid with highly similar properties. This amino acid position is highly conserved in available vertebrate species. In addition, this alteration is predicted to be deleterious by in silico analysis. The evidence for this gene-disease relationship is limited; therefore, the clinical significance of this alteration is unclear.

NM_201596.3(CACNB2):c.1224A>G (p.Ile408Met)

Gene: CACNB2 (calcium voltage-gated channel auxiliary subunit beta 2; plus strand). Cytogenetic location: 10p12.31.
Variant type: single nucleotide variant.
Coding change: c.1224A>G on transcript NM_201596.3 (MANE Select); coding-DNA position 1224, A replaced by G.
Protein change: p.Ile408Met; replaces isoleucine 408 with methionine.
Molecular consequence: missense variant.
Genome position (GRCh38, 1-based): chr10:18,536,118, A>G. VCF-style: chr10-18536118-A-G. GRCh37 (hg19) VCF-style: chr10-18825047-A-G.
Other names: c.1059A>G, p.Ile353Met (NM_000724.4); c.1026A>G, p.Ile342Met (NM_001167945.2); c.945A>G, p.Ile315Met (NM_001330060.2); c.966A>G, p.Ile322Met (NM_001410882.1); c.1080A>G, p.Ile360Met (NM_201570.3); c.1140A>G, p.Ile380Met (NM_201571.4); c.1068A>G, p.Ile356Met (NM_201572.4); c.1062A>G, p.Ile354Met (NM_201590.3); and 2 more; short protein forms I322M, I370M, I315M, I342M, I354M, I360M, I380M, I384M.
Identifiers: ClinVar variation 3826738 (VCV003826738.1).